The following is an entry in ClinVar:

ClinVar aggregate classification (germline): Uncertain significance (1 of 4 stars; one submission).

Conditions:
Hypertrophic cardiomyopathy. Also called: HYPERTROPHIC MYOCARDIOPATHY. Identifiers: Orphanet 217569, MedGen C0007194, MeSH D002312, MONDO:0005045, HP:0001639.

Submission:

Labcorp Genetics (formerly Invitae), Labcorp
Classification: Uncertain significance for Hypertrophic cardiomyopathy. Last evaluated: 2023-12-12. Review status: criteria provided, single submitter. Criteria: Invitae Variant Classification Sherloc (09022015). Collection method: clinical testing. Allele origin: germline.
Comment: This sequence change replaces arginine, which is basic and polar, with serine, which is neutral and polar, at codon 346 of the MYBPC3 protein (p.Arg346Ser). This variant is not present in population databases (gnomAD no frequency). This variant has not been reported in the literature in individuals affected with MYBPC3-related conditions. ClinVar contains an entry for this variant (Variation ID: 1376821). An algorithm developed to predict the effect of missense changes on protein structure and function (PolyPhen-2) suggests that this variant is likely to be disruptive. In summary, the available evidence is currently insufficient to determine the role of this variant in disease. Therefore, it has been classified as a Variant of Uncertain Significance.

NM_000256.3(MYBPC3):c.1036C>A (p.Arg346Ser)

Gene: MYBPC3 (myosin binding protein C3; minus strand). Cytogenetic location: 11p11.2.
Variant type: single nucleotide variant.
Coding change: c.1036C>A on transcript NM_000256.3 (MANE Select); coding-DNA position 1036, C replaced by A.
Protein change: p.Arg346Ser; replaces arginine 346 with serine.
Molecular consequence: missense variant.
Genome position (GRCh38, 1-based): chr11:47,346,261, G>T on the plus strand (C>A on the coding strand, the complement: MYBPC3 is on the minus strand). VCF-style: chr11-47346261-G-T. GRCh37 (hg19) VCF-style: chr11-47367812-G-T.
Other names: short protein forms R346S.
Identifiers: ClinVar variation 1376821 (VCV001376821.6), dbSNP rs1236178301, ClinGen allele CA380331255.
Genomic context (GRCh38, chr11:47,346,261, plus strand): 5'-GCTAACCTGTGCTCTTCTTCTCATCGCGCCTCATGCCCTTGAGCCTCTTTAGCATGCCGC[G>T]CAGGTCAGTGACGCCGTACTGGAAGGCGATGCGCTCGTACTCAGATGGGGGTGCCTGCCG-3'
Protein context (NP_000247.2, residues 336-356): IAFQYGVTDL[Arg346Ser]GMLKRLKGMR